The following is an entry in ClinVar:

NM_000484.4(APP):c.1840A>G (p.Ser614Gly)

Gene: APP (amyloid beta precursor protein; minus strand). Cytogenetic location: 21q21.3.
Variant type: single nucleotide variant.
Coding change: c.1840A>G on transcript NM_000484.4 (MANE Select); coding-DNA position 1840, A replaced by G.
Protein change: p.Ser614Gly; replaces serine 614 with glycine.
Molecular consequence: missense variant.
Genome position (GRCh38, 1-based): chr21:25,911,810, T>C on the plus strand (A>G on the coding strand, the complement: APP is on the minus strand). VCF-style: chr21-25911810-T-C. GRCh37 (hg19) VCF-style: chr21-27284122-T-C.
Other names: p.Ser614Gly; c.1768A>G, p.Ser590Gly (NM_001136016.3); c.1447A>G, p.Ser483Gly (NM_001136129.3); c.1672A>G, p.Ser558Gly (NM_001136130.3, NM_001385253.1); c.1510A>G, p.Ser504Gly (NM_001136131.3); c.1840A>G, p.Ser614Gly (NM_001204301.2); c.1783A>G, p.Ser595Gly (NM_001204302.2, NM_201413.3); c.1615A>G, p.Ser539Gly (NM_001204303.2, NM_201414.3); short protein forms S614G, S539G, S590G, S504G, S595G, S483G, S558G.
Identifiers: ClinVar variation 339631 (VCV000339631.25), dbSNP rs112263157, ClinGen allele CA9987179.
Genomic context (GRCh38, chr21:25,911,810, plus strand): 5'-CTGTGTTGGCTGGCACAGAGTCAGCCCCAAAAGAATGCCACGGCTGGAGATCGTCCAGGC[T>C]GAACTCTCCATTCACGGGAAGGAGCTCCACGGTGGTTTTCGTTTCGGTCAAAGATGGCAT-3'
Protein context (NP_000475.1, residues 604-624): VELLPVNGEF[Ser614Gly]LDDLQPWHSF

ClinVar aggregate classification (germline): Benign/Likely benign. Review status: criteria provided, multiple submitters, no conflicts (2 of 4 stars). 5 submissions from 5 submitters: Benign (4); Likely benign (1). Last evaluated 2026-01-06.

Conditions:
Cerebral amyloid angiopathy, APP-related. Also called: AMYLOIDOSIS, CEREBROARTERIAL, APP-RELATED; Cerebral amyloid angiopathy, Dutch, Italian, Iowa, Flemish, Arctic variants. Identifiers: Orphanet 100006, Orphanet 324703, Orphanet 324708, Orphanet 324713, Orphanet 324718, Orphanet 324723, Orphanet 85458, MedGen C2751536, MONDO:0011583, OMIM 605714.
Alzheimer disease type 1 (AD1). Also called: ALZHEIMER DISEASE, FAMILIAL, 1; ALZHEIMER DISEASE, FAMILIAL, 1, AUTOSOMAL RECESSIVE. Identifiers: MedGen C1863052, MONDO:0007088, OMIM 104300.
Alzheimer disease. Also called: Presenile and senile dementia; Alzheimer's disease. Identifiers: Orphanet 1020, MedGen C0002395, MeSH D000544, MONDO:0004975, HP:0002511.

Allele frequency attached by ClinVar (database versions not stated): gnomAD exomes 0.00040 and 0.00110; ExAC 0.00138; 1000 Genomes Project 30x 0.00359; 1000 Genomes Project 0.00379; gnomAD 0.00433 and 0.00475; TOPMed 0.00505; ESP Exome Variant Server 0.00592.
gnomAD v4.1: 1,295 of 1,614,196 alleles (0.08%); highest among the groups gnomAD compares: African/African-American, 1.5%; 8 homozygotes.

Submissions (5):

Labcorp Genetics (formerly Invitae), Labcorp
Classification: Benign for Alzheimer disease. Last evaluated: 2026-01-06. Review status: criteria provided, single submitter. Criteria: Invitae Variant Classification Sherloc (09022015). Collection method: clinical testing. Allele origin: germline.

Athena Diagnostics
Classification: Benign. Last evaluated: 2025-09-22. Review status: criteria provided, single submitter. Criteria: Athena Diagnostics Criteria. Collection method: clinical testing. Allele origin: unknown.
Comment: The frequency of this variant in the general population is higher than would generally be expected for pathogenic variants in this gene. Computational tools predict this amino acid change may be benign.

Mayo Clinic Laboratories, Mayo Clinic
Classification: Benign. Last evaluated: 2023-11-28. Review status: criteria provided, single submitter. Criteria: ACMG Guidelines, 2015. Collection method: clinical testing. Allele origin: germline. Observed: 2 variant alleles.
Comment: BA1, BS2

Fulgent Genetics
Classification: Likely benign for Alzheimer disease type 1; Cerebral amyloid angiopathy, APP-related. Last evaluated: 2021-07-27. Review status: criteria provided, single submitter. Criteria: ACMG Guidelines, 2015. Collection method: clinical testing. Allele origin: unknown.

Illumina Laboratory Services, Illumina
Classification: Benign for Alzheimer disease type 1. Last evaluated: 2018-01-13. Review status: criteria provided, single submitter. Criteria: ICSL Variant Classification Criteria 13 December 2019. Collection method: clinical testing. Allele origin: germline.
Comment: This variant was observed in the ICSL laboratory as part of a predisposition screen in an ostensibly healthy population. It had not been previously curated by ICSL or reported in the Human Gene Mutation Database (HGMD: prior to June 1st, 2018), and was therefore a candidate for classification through an automated scoring system. Utilizing variant allele frequency, disease prevalence and penetrance estimates, and inheritance mode, an automated score was calculated to assess if this variant is too frequent to cause the disease. Based on the score and internal cut-off values, a variant classified as benign is not then subjected to further curation. The score for this variant resulted in a classification of benign for this disease.

Literature cited by the submitters: PubMed 28106563 (cited by Athena Diagnostics); PubMed 36555510 (cited by Athena Diagnostics and Mayo Clinic Laboratories, Mayo Clinic); PubMed 36951251 (cited by Athena Diagnostics); PubMed 25333068 (cited by Athena Diagnostics and Mayo Clinic Laboratories, Mayo Clinic); PubMed 32087291 (cited by Mayo Clinic Laboratories, Mayo Clinic).